The following is an entry in ClinVar:

ClinVar aggregate classification (germline): Pathogenic (1 of 4 stars; one submission).

Submission:

Labcorp Genetics (formerly Invitae), Labcorp
Classification: Pathogenic. Last evaluated: 2023-08-25. Review status: criteria provided, single submitter. Criteria: Invitae Variant Classification Sherloc (09022015). Collection method: clinical testing. Allele origin: unknown.
Comment: This variant is a gross deletion of the genomic region encompassing exon(s) 29-41 of the SBF1 gene, which includes the termination codon. This deletion extends beyond the assayed region for this gene and therefore may encompass additional genes. While this deletion is not anticipated to lead to nonsense mediated decay, it is expected to alter mRNA translation or result in a truncated protein product. This variant has not been reported in the literature in individuals affected with SBF1-related conditions. This variant disrupts a region of the SBF1 protein in which other variant(s) (p.Thr1590Ala) have been determined to be pathogenic (PMID: 23749797). This suggests that this is a clinically significant region of the protein, and that variants that disrupt it are likely to be disease-causing. For these reasons, this variant has been classified as Pathogenic.

Literature cited by the submitters: PubMed 23749797.

NC_000022.10:g.(?_50885571)_(50895560_?)del

Gene: SBF1 (SET binding factor 1; minus strand). Cytogenetic location: 22q13.33.
Variant type: Deletion.
Identifiers: ClinVar variation 3248099 (VCV003248099.1).